The following is an entry in ClinVar:

ClinVar aggregate classification (germline): Uncertain significance (1 of 4 stars; one submission).

Conditions:
Acromesomelic dysplasia 1, Maroteaux type (AMD1). Also called: ST. HELENA DYSPLASIA; ACROMESOMELIC DYSPLASIA 1. Identifiers: Orphanet 40, MedGen C1864356, MONDO:0011275, OMIM 602875.
Tall stature-scoliosis-macrodactyly of the great toes syndrome. Also called: Epiphyseal chondrodysplasia, miura type. Identifiers: Orphanet 329191, MedGen C4014690, MONDO:0014401, OMIM 615923.

Allele frequency attached by ClinVar (database versions not stated): gnomAD 0.00001; TOPMed 0.00001.
gnomAD v4.1: 34 of 1,611,212 alleles (0.0021%); highest among the groups gnomAD compares: Non-Finnish European, 0.0029%; no homozygotes.

Submission:

Labcorp Genetics (formerly Invitae), Labcorp
Classification: Uncertain significance for Tall stature-scoliosis-macrodactyly of the great toes syndrome; Acromesomelic dysplasia 1, Maroteaux type. Last evaluated: 2022-12-20. Review status: criteria provided, single submitter. Criteria: Invitae Variant Classification Sherloc (09022015). Collection method: clinical testing. Allele origin: germline.
Comment: This sequence change falls in intron 6 of the NPR2 gene. It does not directly change the encoded amino acid sequence of the NPR2 protein. This variant is not present in population databases (gnomAD no frequency). This variant has not been reported in the literature in individuals affected with NPR2-related conditions. Algorithms developed to predict the effect of sequence changes on RNA splicing suggest that this variant may disrupt the consensus splice site. In summary, the available evidence is currently insufficient to determine the role of this variant in disease. Therefore, it has been classified as a Variant of Uncertain Significance.

NM_003995.4(NPR2):c.1352-12T>A

Gene: NPR2 (natriuretic peptide receptor 2; plus strand). Cytogenetic location: 9p13.3.
Variant type: single nucleotide variant.
Coding change: c.1352-12T>A on transcript NM_003995.4 (MANE Select); 12 bases into the intron before coding-DNA position 1352, T replaced by A.
Molecular consequence: intron variant.
Genome position (GRCh38, 1-based): chr9:35,801,058, T>A. VCF-style: chr9-35801058-T-A. GRCh37 (hg19) VCF-style: chr9-35801055-T-A.
Other names: c.1352-12T>A (NM_001378923.1).
Identifiers: ClinVar variation 2942134 (VCV002942134.3), dbSNP rs940617834, ClinGen allele CA192765719.